The following is an entry in ClinVar:

ClinVar aggregate classification (germline): Uncertain significance. Review status: criteria provided, multiple submitters, no conflicts (2 of 4 stars). 3 submissions from 3 submitters: Uncertain significance (3). Last evaluated 2025-10-06.

Conditions:
Hereditary cancer-predisposing syndrome. Also called: Neoplastic Syndromes, Hereditary; Hereditary neoplastic syndrome; Tumor predisposition; Hereditary Cancer Syndrome. Identifiers: Orphanet 140162, MedGen C0027672, MeSH D009386, MONDO:0015356.
Dilated cardiomyopathy 1GG (CMD1GG). Identifiers: Orphanet 154, MedGen C3150898, MONDO:0013339, OMIM 613642.
Mitochondrial complex II deficiency, nuclear type 1. Also called: SUCCINATE CoQ REDUCTASE DEFICIENCY. Identifiers: Orphanet 3208, MedGen C5700310, MONDO:0100294, OMIM 252011.
Pheochromocytoma/paraganglioma syndrome 5. Also called: Paragangliomas 5; SDHA-Related Hereditary Paraganglioma-Pheochromocytoma Syndrome. Identifiers: Orphanet 29072, MedGen C3279992, MONDO:0013602, OMIM 614165.

Submissions (3):

Labcorp Genetics (formerly Invitae), Labcorp
Classification: Uncertain significance for Pheochromocytoma/paraganglioma syndrome 5; Mitochondrial complex II deficiency, nuclear type 1. Last evaluated: 2025-10-06. Review status: criteria provided, single submitter. Criteria: Invitae Variant Classification Sherloc (09022015). Collection method: clinical testing. Allele origin: germline.
Comment: This variant, c.1564_1566del, results in the deletion of 1 amino acid(s) of the SDHA protein (p.His522del), but otherwise preserves the integrity of the reading frame. This variant is present in population databases (no rsID available, gnomAD 0.0009%). This variant has not been reported in the literature in individuals affected with SDHA-related conditions. ClinVar contains an entry for this variant (Variation ID: 856710). Experimental studies and prediction algorithms are not available or were not evaluated, and the functional significance of this variant is currently unknown. In summary, the available evidence is currently insufficient to determine the role of this variant in disease. Therefore, it has been classified as a Variant of Uncertain Significance.

Ambry Genetics
Classification: Uncertain significance for Hereditary cancer-predisposing syndrome. Last evaluated: 2025-07-29. Review status: criteria provided, single submitter. Criteria: Ambry Variant Classification Scheme 2023. Collection method: clinical testing. Allele origin: germline.
Comment: The c.1564_1566delCAT variant (also known as p.H522del) is located in coding exon 12 of the SDHA gene. This variant results from an in-frame CAT deletion at nucleotide positions 1564 to 1566. This results in the in-frame deletion of a histidine at codon 522. This amino acid position is highly conserved in available vertebrate species. In addition, this alteration is predicted to be deleterious by in silico analysis (Choi Y et al. PLoS ONE. 2012; 7(10):e46688). Based on the available evidence, the clinical significance of this variant remains unclear.

Baylor Genetics
Classification: Uncertain significance for Dilated cardiomyopathy 1GG. Last evaluated: 2023-07-11. Review status: criteria provided, single submitter. Criteria: ACMG Guidelines, 2015. Collection method: clinical testing. Allele origin: unknown.

NM_004168.4(SDHA):c.1564_1566del (p.His522del)

Gene: SDHA (succinate dehydrogenase complex flavoprotein subunit A; plus strand). Cytogenetic location: 5p15.33.
Variant type: Deletion.
Coding change: c.1564_1566del on transcript NM_004168.4 (MANE Select); coding-DNA positions 1564 to 1566, 3 bases deleted (CAT; older notation c.1564_1566delCAT).
Protein change: p.His522del; deletes histidine 522.
Molecular consequence: inframe deletion. On other transcripts: intron variant (1).
Genome position (GRCh38, 1-based): chr5:251,004-251,006, CAT deleted; deleting any 3 consecutive bases within chr5:251,002-251,006 gives the same sequence; the c. name uses the placement nearest the transcript's 3' end. VCF-style (leftmost placement, unchanged base first): chr5-251001-AATC-A. GRCh37 (hg19) VCF-style: chr5-251116-AATC-A.
Other names: c.1420_1422del, p.His474del (NM_001294332.2); c.1552-3389_1552-3387del (NM_001330758.2); short protein forms H522del, H474del.
Identifiers: ClinVar variation 856710 (VCV000856710.12), dbSNP rs1325342549, ClinGen allele CA557102396.
Genomic context (GRCh38, chr5:251,001, plus strand): 5'-TATGGCTGCTTCTATGGATTAAAAGTTTACAAATAATATTTTGTGCCACAGTCAATGCAA[AATC>A]ATGCTGCCGTGTTCCGTGTGGGAAGCGTGTTGCAAGAAGGTTGTGGGAAAATCAGCAAGC-3'